The following is an entry in ClinVar:

NM_000206.3(IL2RG):c.607G>A (p.Asp203Asn)

Gene: IL2RG (interleukin 2 receptor subunit gamma; minus strand). Cytogenetic location: Xq13.1.
Variant type: single nucleotide variant.
Coding change: c.607G>A on transcript NM_000206.3 (MANE Select); coding-DNA position 607, G replaced by A.
Protein change: p.Asp203Asn; replaces aspartic acid 203 with asparagine.
Molecular consequence: missense variant.
Genome position (GRCh38, 1-based): chrX:71,109,378, C>T on the plus strand (G>A on the coding strand, the complement: IL2RG is on the minus strand). VCF-style: chrX-71109378-C-T. GRCh37 (hg19) VCF-style: chrX-70329228-C-T.
Other names: short protein forms D203N.
Identifiers: ClinVar variation 934933 (VCV000934933.9), dbSNP rs987981899, ClinGen allele CA330969601.

ClinVar aggregate classification (germline): Uncertain significance. Review status: criteria provided, multiple submitters, no conflicts (2 of 4 stars). 3 submissions from 3 submitters: Uncertain significance (2). 1 of the submissions does not count toward it. Last evaluated 2025-09-25.

Conditions:
X-linked severe combined immunodeficiency (SCIDX1). Also called: X-Linked Combined Immunodeficiency Diseases; IMMUNODEFICIENCY 4; SCID, X-LINKED; SEVERE COMBINED IMMUNODEFICIENCY, X-LINKED, T CELL-NEGATIVE, B CELL-POSITIVE, NK CELL-NEGATIVE; T-B+ severe combined immunodeficiency due to gamma chain deficiency. Identifiers: Orphanet 276, MedGen C6022468, MONDO:0010315, OMIM 300400. Disease mechanism: loss of function.
Inborn genetic diseases. Identifiers: MedGen C0950123, MeSH D030342.

Allele frequency attached by ClinVar (database versions not stated): gnomAD exomes 0.00001 and 0.00003; gnomAD 0.00004 and 0.00005; TOPMed 0.00006.
gnomAD v4.1: 45 of 1,208,427 alleles (0.0037%); highest among the groups gnomAD compares: Non-Finnish European, 0.0044%; no homozygotes.

Submissions (3):

Labcorp Genetics (formerly Invitae), Labcorp
Classification: Uncertain significance for X-linked severe combined immunodeficiency. Last evaluated: 2025-09-25. Review status: criteria provided, single submitter. Criteria: Invitae Variant Classification Sherloc (09022015). Collection method: clinical testing. Allele origin: germline.
Comment: This sequence change replaces aspartic acid, which is acidic and polar, with asparagine, which is neutral and polar, at codon 203 of the IL2RG protein (p.Asp203Asn). This variant is present in population databases (no rsID available, gnomAD 0.001%). This variant has not been reported in the literature in individuals affected with IL2RG-related conditions. ClinVar contains an entry for this variant (Variation ID: 934933). Invitae Evidence Modeling of protein sequence and biophysical properties (such as structural, functional, and spatial information, amino acid conservation, physicochemical variation, residue mobility, and thermodynamic stability) indicates that this missense variant is not expected to disrupt IL2RG protein function with a negative predictive value of 95%. In summary, the available evidence is currently insufficient to determine the role of this variant in disease. Therefore, it has been classified as a Variant of Uncertain Significance.

Ambry Genetics
Classification: Uncertain significance for Inborn genetic diseases. Last evaluated: 2025-04-18. Review status: criteria provided, single submitter. Criteria: Ambry Variant Classification Scheme 2023. Collection method: clinical testing. Allele origin: germline.

Natera, Inc.
Classification: Uncertain significance for X-linked severe combined immunodeficiency. Last evaluated: 2020-01-07. Review status: no assertion criteria provided. Collection method: clinical testing. Allele origin: germline. Not counted in ClinVar's aggregate classification.